The following is an entry in ClinVar:

NM_000562.3(C8A):c.1096+6T>C

Gene: C8A (complement C8 alpha chain; plus strand). Cytogenetic location: 1p32.2.
Variant type: single nucleotide variant.
Coding change: c.1096+6T>C on transcript NM_000562.3 (MANE Select); 6 bases into the intron after coding-DNA position 1096, T replaced by C.
Molecular consequence: intron variant.
Genome position (GRCh38, 1-based): chr1:56,886,173, T>C. VCF-style: chr1-56886173-T-C. GRCh37 (hg19) VCF-style: chr1-57351846-T-C.
Identifiers: ClinVar variation 2720051 (VCV002720051.1), dbSNP rs763236455, ClinGen allele CA875224.

ClinVar aggregate classification (germline): Uncertain significance (1 of 4 stars; one submission).

Allele frequency attached by ClinVar (database versions not stated): gnomAD exomes below 0.00001; ExAC 0.00002; gnomAD 0.00003; TOPMed 0.00004.
gnomAD v4.1: 11 of 1,613,648 alleles (0.00068%); highest among the groups gnomAD compares: African/African-American, 0.0093%; no homozygotes.

Submission:

Labcorp Genetics (formerly Invitae), Labcorp
Classification: Uncertain significance. Last evaluated: 2023-10-05. Review status: criteria provided, single submitter. Criteria: Invitae Variant Classification Sherloc (09022015). Collection method: clinical testing. Allele origin: germline.
Comment: This sequence change falls in intron 7 of the C8A gene. It does not directly change the encoded amino acid sequence of the C8A protein. It affects a nucleotide within the consensus splice site. This variant is present in population databases (rs763236455, gnomAD 0.01%). This variant has not been reported in the literature in individuals affected with C8A-related conditions. Variants that disrupt the consensus splice site are a relatively common cause of aberrant splicing (PMID: 17576681, 9536098). Algorithms developed to predict the effect of sequence changes on RNA splicing suggest that this variant is not likely to affect RNA splicing. In summary, the available evidence is currently insufficient to determine the role of this variant in disease. Therefore, it has been classified as a Variant of Uncertain Significance.

Literature cited by the submitters: PubMed 17576681; PubMed 9536098.